The following is an entry in ClinVar:

ClinVar aggregate classification (germline): Uncertain significance (1 of 4 stars; one submission).

Allele frequency attached by ClinVar (database versions not stated): gnomAD exomes below 0.00001 and 0.00001; gnomAD 0.00001 and 0.00002; TOPMed 0.00003.
gnomAD v4.1: 15 of 1,613,808 alleles (0.00093%); highest among the groups gnomAD compares: Non-Finnish European, 0.0011%; no homozygotes.

Submission:

Labcorp Genetics (formerly Invitae), Labcorp
Classification: Uncertain significance. Last evaluated: 2024-05-21. Review status: criteria provided, single submitter. Criteria: Invitae Variant Classification Sherloc (09022015). Collection method: clinical testing. Allele origin: germline.
Comment: This sequence change creates a premature translational stop signal (p.Glu61*) in the MYLK3 gene. It is expected to result in an absent or disrupted protein product. However, the current clinical and genetic evidence is not sufficient to establish whether loss-of-function variants in MYLK3 cause disease. This variant is present in population databases (no rsID available, gnomAD 0.0009%). This variant has not been reported in the literature in individuals affected with MYLK3-related conditions. ClinVar contains an entry for this variant (Variation ID: 1499115). In summary, the available evidence is currently insufficient to determine the role of this variant in disease. Therefore, it has been classified as a Variant of Uncertain Significance.

NM_182493.3(MYLK3):c.181G>T (p.Glu61Ter)

Gene: MYLK3 (myosin light chain kinase 3; minus strand). Cytogenetic location: 16q11.2.
Variant type: single nucleotide variant.
Coding change: c.181G>T on transcript NM_182493.3 (MANE Select); coding-DNA position 181, G replaced by T.
Protein change: p.Glu61Ter; replaces glutamic acid 61 with a stop codon.
Molecular consequence: nonsense. On other transcripts: intron variant (1).
Genome position (GRCh38, 1-based): chr16:46,748,013, C>A on the plus strand (G>T on the coding strand, the complement: MYLK3 is on the minus strand). VCF-style: chr16-46748013-C-A. GRCh37 (hg19) VCF-style: chr16-46781925-C-A.
Other names: c.-113-7866G>T (NM_001308301.1); short protein forms E61*.
Identifiers: ClinVar variation 1499115 (VCV001499115.6), dbSNP rs1049338903, ClinGen allele CA280241498.
Genomic context (GRCh38, chr16:46,748,013, plus strand): 5'-CCCCATCAGCCCCGCCCGGGCCCGGTGCCCGGGAGGCCTCCAGCCTGTGCAGGCCCCGCT[C>A]CAGGTGGCCCATGTCTCGGCACATGCTCTGCAACTTCTCTGTGACATCTTCTTGGAAGTG-3'